The following is an entry in ClinVar:

NM_001008537.3(NEXMIF):c.1521G>A (p.Arg507=)

Gene: NEXMIF (neurite extension and migration factor; minus strand). Cytogenetic location: Xq13.3.
Variant type: single nucleotide variant.
Coding change: c.1521G>A on transcript NM_001008537.3 (MANE Select); coding-DNA position 1521, G replaced by A.
Protein change: p.Arg507=; no amino-acid change (arginine 507 retained).
Molecular consequence: synonymous variant.
Genome position (GRCh38, 1-based): chrX:74,743,036, C>T on the plus strand (G>A on the coding strand, the complement: NEXMIF is on the minus strand). VCF-style: chrX-74743036-C-T. GRCh37 (hg19) VCF-style: chrX-73962871-C-T.
Identifiers: ClinVar variation 4848152 (VCV004848152.1).

ClinVar aggregate classification (germline): Likely benign (1 of 4 stars; one submission).

gnomAD v4.1: 2 of 1,210,967 alleles (0.00017%); highest among the groups gnomAD compares: African/African-American, 0.0035%; no homozygotes.

Submission:

Women's Health and Genetics/Laboratory Corporation of America, LabCorp
Classification: Likely benign. Last evaluated: 2026-02-24. Review status: criteria provided, single submitter. Criteria: LabCorp Variant Classification Summary - May 2015. Collection method: clinical testing. Allele origin: germline.
Comment: Variant summary: NEXMIF c.1521G>A alters a conserved nucleotide resulting in a synonymous change. Consensus agreement among computation tools predict no significant impact on normal splicing. However, these predictions have yet to be confirmed by functional studies. The variant was absent in 179247 control chromosomes. The available data on variant occurrences in the general population are insufficient to allow any conclusion about variant significance. To our knowledge, no occurrence of c.1521G>A in individuals affected with NEXMIF-related conditions and no experimental evidence demonstrating its impact on protein function have been reported. No submitters have cited clinical-significance assessments for this variant to ClinVar. Based on the evidence outlined above, the variant was classified as likely benign.